The following is an entry in ClinVar:

ClinVar aggregate classification (germline): Conflicting classifications of pathogenicity. Review status: criteria provided, conflicting classifications (1 of 4 stars). 2 submissions from 2 submitters: Uncertain significance (1); Likely benign (1). Last evaluated 2026-07-02.

Conditions:
Familial hypobetalipoproteinemia 1. Also called: APOB-Related Familial Hypobetalipoproteinemia; Hypobetalipoproteinemia, normotriglyceridemic; Acanthocytosis with hypobetalipoproteinemia. Identifiers: MedGen C4551990, MONDO:0014252, OMIM 615558.
Hypercholesterolemia, autosomal dominant, type B (FHCL2). Also called: Familial Hypercholesterolemia Type B; APOLIPOPROTEIN B-100, FAMILIAL DEFECTIVE; APOLIPOPROTEIN B-100, FAMILIAL LIGAND-DEFECTIVE; HYPERCHOLESTEROLEMIA, FAMILIAL, DUE TO LIGAND-DEFECTIVE APOLIPOPROTEIN B; Hyperlipoproteinemia Type IIb; APOB-Related Familial Hypercholesterolemia, Autosomal Dominant. Identifiers: MedGen C1704417, MONDO:0007751, OMIM 144010.
Cardiovascular phenotype. Identifiers: MedGen CN230736.

gnomAD v4.1: 7 of 1,612,548 alleles (0.00043%); highest among the groups gnomAD compares: Admixed American, 0.012%; no homozygotes.

Submissions (2):

Ambry Genetics
Classification: Uncertain significance for Cardiovascular phenotype. Last evaluated: 2026-07-02. Review status: criteria provided, single submitter. Criteria: Ambry Variant Classification Scheme 2023. Collection method: clinical testing. Allele origin: germline.
Comment: The p.S1062I variant (also known as c.3185G>T), located in coding exon 21 of the APOB gene, results from a G to T substitution at nucleotide position 3185. The serine at codon 1062 is replaced by isoleucine, an amino acid with dissimilar properties. This amino acid position is conserved. In addition, this alteration is predicted to be tolerated by in silico analysis. Based on the available evidence, the clinical significance of this variant remains unclear.

Labcorp Genetics (formerly Invitae), Labcorp
Classification: Likely benign for Familial hypobetalipoproteinemia 1; Hypercholesterolemia, autosomal dominant, type B. Last evaluated: 2024-04-18. Review status: criteria provided, single submitter. Criteria: Invitae Variant Classification Sherloc (09022015). Collection method: clinical testing. Allele origin: germline.

NM_000384.3(APOB):c.3185G>T (p.Ser1062Ile)

Gene: APOB (apolipoprotein B; minus strand). Cytogenetic location: 2p24.1.
Variant type: single nucleotide variant.
Coding change: c.3185G>T on transcript NM_000384.3 (MANE Select); coding-DNA position 3185, G replaced by T.
Protein change: p.Ser1062Ile; replaces serine 1062 with isoleucine.
Molecular consequence: missense variant.
Genome position (GRCh38, 1-based): chr2:21,016,586, C>A on the plus strand (G>T on the coding strand, the complement: APOB is on the minus strand). VCF-style: chr2-21016586-C-A. GRCh37 (hg19) VCF-style: chr2-21239458-C-A.
Other names: c.3185G>T (NM_000384.2); short protein forms S1062I.
Identifiers: ClinVar variation 3762821 (VCV003762821.3).